The following is an entry in ClinVar:

ClinVar aggregate classification (germline): Uncertain significance (1 of 4 stars; one submission).

gnomAD v4.1: 2 of 1,367,470 alleles (0.00015%); highest among the groups gnomAD compares: Non-Finnish European, 0.0002%; no homozygotes.

Submission:

Labcorp Genetics (formerly Invitae), Labcorp
Classification: Uncertain significance. Last evaluated: 2024-02-06. Review status: criteria provided, single submitter. Criteria: Invitae Variant Classification Sherloc (09022015). Collection method: clinical testing. Allele origin: germline.
Comment: This sequence change replaces threonine, which is neutral and polar, with isoleucine, which is neutral and non-polar, at codon 1444 of the ERCC6L2 protein (p.Thr1444Ile). This variant is present in population databases (rs771660663, gnomAD 0.0009%). This variant has not been reported in the literature in individuals affected with ERCC6L2-related conditions. Experimental studies and prediction algorithms are not available or were not evaluated, and the functional significance of this variant is currently unknown. In summary, the available evidence is currently insufficient to determine the role of this variant in disease. Therefore, it has been classified as a Variant of Uncertain Significance.

NM_020207.7(ERCC6L2):c.4298C>T (p.Thr1433Ile)

Gene: ERCC6L2 (ERCC excision repair 6 like 2; plus strand). Cytogenetic location: 9q22.32.
Variant type: single nucleotide variant.
Coding change: c.4298C>T on transcript NM_020207.7 (MANE Select); coding-DNA position 4298, C replaced by T.
Protein change: p.Thr1433Ile; replaces threonine 1433 with isoleucine.
Molecular consequence: missense variant. On other transcripts: non-coding transcript variant (1), intron variant (2).
Genome position (GRCh38, 1-based): chr9:96,012,848, C>T. VCF-style: chr9-96012848-C-T. GRCh37 (hg19) VCF-style: chr9-98775130-C-T.
Other names: c.3674+8147C>T (NM_001375291.1, NM_001375292.1); short protein forms T1433I.
Identifiers: ClinVar variation 3639138 (VCV003639138.1).